The following is an entry in ClinVar:

NM_006181.3(NTN3):c.662G>A (p.Arg221His)

Gene: NTN3 (netrin 3; plus strand). Cytogenetic location: 16p13.3.
Variant type: single nucleotide variant.
Coding change: c.662G>A on transcript NM_006181.3 (MANE Select); coding-DNA position 662, G replaced by A.
Protein change: p.Arg221His; replaces arginine 221 with histidine.
Molecular consequence: missense variant.
Genome position (GRCh38, 1-based): chr16:2,472,363, G>A. VCF-style: chr16-2472363-G-A. GRCh37 (hg19) VCF-style: chr16-2522364-G-A.
Other names: short protein forms R221H.
Identifiers: ClinVar variation 2646062 (VCV002646062.24), dbSNP rs150705975, ClinGen allele CA7843577.
Genomic context (GRCh38, chr16:2,472,363, plus strand): 5'-CAGGCCTGGACCTGGACAGCAGCCCAGTGCTCCAAGACTGGGTGACCGCCACCGACGTCC[G>A]TGTAGTGCTCACAAGGCCTAGCACGGCAGGTGACCCCAGGGACATGGAGGCCGTCGTCCC-3'
Protein context (NP_006172.1, residues 211-231): LQDWVTATDV[Arg221His]VVLTRPSTAG

ClinVar aggregate classification (germline): Likely benign (1 of 4 stars; one submission).

Allele frequency attached by ClinVar (database versions not stated): 1000 Genomes Project 0.00200; ESP Exome Variant Server 0.00008; TOPMed 0.00008; gnomAD 0.00025; gnomAD exomes 0.00057; ExAC 0.00116; 1000 Genomes Project 30x 0.00172.

Submission:

CeGaT Center for Human Genetics Tuebingen
Classification: Likely benign. Last evaluated: 2023-03-01. Review status: criteria provided, single submitter. Criteria: CeGaT Center For Human Genetics Tuebingen Variant Classification Criteria Version 2. Collection method: clinical testing. Allele origin: germline. Affected: yes. Observed: 1 variant allele.
Comment: NTN3: BS2